The following is an entry in ClinVar:

ClinVar aggregate classification (germline): Uncertain significance (1 of 4 stars; one submission).

Conditions:
Dextro-looped transposition of the great arteries. Also called: Dextrotransposition of the great arteries. Identifiers: Orphanet 860, MedGen C3531771, MONDO:0019443, OMIM 608808, HP:0031348.

gnomAD v4.1: 1 of 1,613,800 alleles (0.000062%); highest among the groups gnomAD compares: South Asian, 0.0011%; no homozygotes.

Submission:

Labcorp Genetics (formerly Invitae), Labcorp
Classification: Uncertain significance for Dextro-looped transposition of the great arteries. Last evaluated: 2022-08-26. Review status: criteria provided, single submitter. Criteria: Invitae Variant Classification Sherloc (09022015). Collection method: clinical testing. Allele origin: germline.
Comment: This variant has not been reported in the literature in individuals affected with MED13L-related conditions. This variant is not present in population databases (gnomAD no frequency). This sequence change replaces arginine, which is basic and polar, with leucine, which is neutral and non-polar, at codon 233 of the MED13L protein (p.Arg233Leu). Algorithms developed to predict the effect of missense changes on protein structure and function are either unavailable or do not agree on the potential impact of this missense change (SIFT: "Deleterious"; PolyPhen-2: "Not Available"; Align-GVGD: "Class C0"). In summary, the available evidence is currently insufficient to determine the role of this variant in disease. Therefore, it has been classified as a Variant of Uncertain Significance.

NM_015335.5(MED13L):c.698G>T (p.Arg233Leu)

Gene: MED13L (mediator complex subunit 13L; minus strand). Cytogenetic location: 12q24.21.
Variant type: single nucleotide variant.
Coding change: c.698G>T on transcript NM_015335.5 (MANE Select); coding-DNA position 698, G replaced by T.
Protein change: p.Arg233Leu; replaces arginine 233 with leucine.
Molecular consequence: missense variant.
Genome position (GRCh38, 1-based): chr12:116,019,900, C>A on the plus strand (G>T on the coding strand, the complement: MED13L is on the minus strand). VCF-style: chr12-116019900-C-A. GRCh37 (hg19) VCF-style: chr12-116457705-C-A.
Other names: short protein forms R233L.
Identifiers: ClinVar variation 1899478 (VCV001899478.5), dbSNP rs757472716, ClinGen allele CA386871257.